The following is an entry in ClinVar:

ClinVar aggregate classification (germline): Likely benign (0 of 4 stars; one submission).

Conditions:
PER2-related disorder. Also called: PER2-related condition.

Allele frequency attached by ClinVar (database versions not stated): gnomAD exomes 0.00003; ExAC 0.00009; ESP Exome Variant Server 0.00015; gnomAD 0.00031; TOPMed 0.00042; 1000 Genomes Project 0.00060; 1000 Genomes Project 30x 0.00062.
gnomAD v4.1: 92 of 1,614,108 alleles (0.0057%); highest among the groups gnomAD compares: African/African-American, 0.12%; no homozygotes.

Submission:

PreventionGenetics, part of Exact Sciences
Classification: Likely benign for PER2-related condition. Last evaluated: 2019-08-27. Review status: no assertion criteria provided. Collection method: clinical testing. Allele origin: germline.
Comment: This variant is classified as likely benign based on ACMG/AMP sequence variant interpretation guidelines (Richards et al. 2015 PMID: 25741868, with internal and published modifications).

NM_022817.3(PER2):c.945G>A (p.Glu315=)

Gene: PER2 (period circadian regulator 2; minus strand). Cytogenetic location: 2q37.3.
Variant type: single nucleotide variant.
Coding change: c.945G>A on transcript NM_022817.3 (MANE Select); coding-DNA position 945, G replaced by A.
Protein change: p.Glu315=; no amino-acid change (glutamic acid 315 retained).
Molecular consequence: synonymous variant.
Genome position (GRCh38, 1-based): chr2:238,268,078, C>T on the plus strand (G>A on the coding strand, the complement: PER2 is on the minus strand). VCF-style: chr2-238268078-C-T. GRCh37 (hg19) VCF-style: chr2-239176719-C-T.
Identifiers: ClinVar variation 3053684 (VCV003053684.2), dbSNP rs113438735, ClinGen allele CA2197596.
Genomic context (GRCh38, chr2:238,268,078, plus strand): 5'-GAGACAACATCTGCCCTCGCCCTGGGCTTGGCTGTTACCTTCATAACCAGAGTGCACTCT[C>T]TCTGCCAGCAGAAGGCAGCAAAGCTGACTCTCAGCACCTTGTTGGTCCCGCACCTTGACC-3'
Protein context (NP_073728.1, residues 305-325): ESQLCCLLLA[Glu315=]RVHSGYEAPR